The following is an entry in ClinVar:

NM_001029883.3(PCARE):c.530C>T (p.Pro177Leu)

Gene: PCARE (photoreceptor cilium actin regulator; minus strand). Cytogenetic location: 2p23.2.
Variant type: single nucleotide variant.
Coding change: c.530C>T on transcript NM_001029883.3 (MANE Select); coding-DNA position 530, C replaced by T.
Protein change: p.Pro177Leu; replaces proline 177 with leucine.
Molecular consequence: missense variant.
Genome position (GRCh38, 1-based): chr2:29,073,732, G>A on the plus strand (C>T on the coding strand, the complement: PCARE is on the minus strand). VCF-style: chr2-29073732-G-A. GRCh37 (hg19) VCF-style: chr2-29296598-G-A.
Other names: short protein forms P177L.
Identifiers: ClinVar variation 618548 (VCV000618548.20), dbSNP rs190791051, ClinGen allele CA1592637.
Genomic context (GRCh38, chr2:29,073,732, plus strand): 5'-TTGGAGAGGCTGGAGTGTAGATAGGTGTAAGCCTGCTGGTGGGCCTTTACCAGAGGCTCC[G>A]GGAAGTCCACTTTGCCTTCAGGCTCATGAGCAGGGTGGATGGTTTGGTAGCAGTGGCTCT-3'
Protein context (NP_001025054.1, residues 167-187): AHEPEGKVDF[Pro177Leu]EPLVKAHQQA

ClinVar aggregate classification (germline): Conflicting classifications of pathogenicity. Review status: criteria provided, conflicting classifications (1 of 4 stars). 4 submissions from 4 submitters: Uncertain significance (1); Likely benign (3). Last evaluated 2026-02-01.

Conditions:
PCARE-related disorder. Also called: PCARE-related condition.

Allele frequency attached by ClinVar (database versions not stated): ExAC 0.00041; ESP Exome Variant Server 0.00112; gnomAD 0.00114 and 0.00126; 1000 Genomes Project 0.00120; 1000 Genomes Project 30x 0.00141; TOPMed 0.00142.
gnomAD v4.1: 387 of 1,614,188 alleles (0.024%); highest among the groups gnomAD compares: African/African-American, 0.45%; no homozygotes.

Submissions (4):

Labcorp Genetics (formerly Invitae), Labcorp
Classification: Likely benign. Last evaluated: 2026-02-01. Review status: criteria provided, single submitter. Criteria: Invitae Variant Classification Sherloc (09022015). Collection method: clinical testing. Allele origin: germline.

PreventionGenetics, part of Exact Sciences
Classification: Likely benign for PCARE-related condition. Last evaluated: 2024-11-20. Review status: criteria provided, single submitter. Criteria: ACMG Guidelines, 2015. Collection method: clinical testing. Allele origin: germline.
Comment: This variant is classified as likely benign based on ACMG/AMP sequence variant interpretation guidelines (Richards et al. 2015 PMID: 25741868, with internal and published modifications).

Blueprint Genetics
Classification: Likely benign. Last evaluated: 2024-11-06. Review status: criteria provided, single submitter. Criteria: ACMG Guidelines, 2015. Collection method: clinical testing. Allele origin: germline.

ARUP Laboratories, Molecular Genetics and Genomics, ARUP Laboratories
Classification: Uncertain significance. Last evaluated: 2018-06-19. Review status: criteria provided, single submitter. Criteria: ARUP Molecular Germline Variant Investigation Process. Collection method: clinical testing. Allele origin: germline.
Comment: The C2orf71 c.530C>T; p.Pro177Leu variant (rs190791051) is reported in the medical literature in an individual with retinitis pigmentosa (Haer-Wigman 2017). The variant is found in the African population with an allele frequency of 0.5% (111/24012 alleles) in the Genome Aggregation Database. The proline at codon 177 is conserved and computational analyses (SIFT, PolyPhen-2) predict that this variant is deleterious. Considering available information, there is insufficient evidence to classify the variant with certainty. Pathogenic C2orf71 variants are causative for autosomal recessive retinitis pigmentosa (MIM: 613428). References: Haer-Wigman L et al. Diagnostic exome sequencing in 266 Dutch patients with visual impairment. Eur J Hum Genet. 2017 May;25(5):591-599.